The following is an entry in ClinVar:

ClinVar aggregate classification (germline): Likely benign (0 of 4 stars; one submission).

Conditions:
HAP1-related disorder. Also called: HAP1-related condition.

gnomAD v4.1: 72 of 1,592,920 alleles (0.0045%); highest among the groups gnomAD compares: Non-Finnish European, 0.0057%; no homozygotes.

Submission:

PreventionGenetics, part of Exact Sciences
Classification: Likely benign for HAP1-related condition. Last evaluated: 2019-05-31. Review status: no assertion criteria provided. Collection method: clinical testing. Allele origin: germline.
Comment: This variant is classified as likely benign based on ACMG/AMP sequence variant interpretation guidelines (Richards et al. 2015 PMID: 25741868, with internal and published modifications).

NM_177977.3(HAP1):c.1302G>T (p.Thr434=)

Gene: HAP1 (huntingtin associated protein 1; minus strand). Cytogenetic location: 17q21.2.
Variant type: single nucleotide variant.
Coding change: c.1302G>T on transcript NM_177977.3 (MANE Select); coding-DNA position 1302, G replaced by T.
Protein change: p.Thr434=; no amino-acid change (threonine 434 retained).
Molecular consequence: synonymous variant.
Genome position (GRCh38, 1-based): chr17:41,727,118, C>A on the plus strand (G>T on the coding strand, the complement: HAP1 is on the minus strand). VCF-style: chr17-41727118-C-A. GRCh37 (hg19) VCF-style: chr17-39883370-C-A.
Other names: c.1251G>T, p.Thr417= (NM_001079870.1); c.1227G>T, p.Thr409= (NM_001079871.1, NM_001367461.1, NM_001367462.1); c.1398G>T, p.Thr466= (NM_001367459.1); c.1362G>T, p.Thr454= (NM_001367460.1).
Identifiers: ClinVar variation 3043866 (VCV003043866.2), dbSNP rs374580379, ClinGen allele CA290680323.